The following is an entry in ClinVar:

NM_007129.5(ZIC2):c.923C>T (p.Pro308Leu)

Gene: ZIC2 (Zic family zinc finger 2; plus strand). Cytogenetic location: 13q32.3.
Variant type: single nucleotide variant.
Coding change: c.923C>T on transcript NM_007129.5 (MANE Select); coding-DNA position 923, C replaced by T.
Protein change: p.Pro308Leu; replaces proline 308 with leucine.
Molecular consequence: missense variant.
Genome position (GRCh38, 1-based): chr13:99,982,987, C>T. VCF-style: chr13-99982987-C-T. GRCh37 (hg19) VCF-style: chr13-100635241-C-T.
Other names: short protein forms P308L.
Identifiers: ClinVar variation 4766980 (VCV004766980.1).

ClinVar aggregate classification (germline): Uncertain significance (1 of 4 stars; one submission).

Conditions:
Holoprosencephaly 5 (HPE5). Identifiers: Orphanet 2162, MedGen C1864827, MONDO:0012322, OMIM 609637.

gnomAD v4.1: 1 of 1,614,152 alleles (0.000062%); highest among the groups gnomAD compares: African/African-American, 0.0013%; no homozygotes.

Submission:

Labcorp Genetics (formerly Invitae), Labcorp
Classification: Uncertain significance for Holoprosencephaly 5. Last evaluated: 2025-04-12. Review status: criteria provided, single submitter. Criteria: Invitae Variant Classification Sherloc (09022015). Collection method: clinical testing. Allele origin: germline.
Comment: This sequence change replaces proline, which is neutral and non-polar, with leucine, which is neutral and non-polar, at codon 308 of the ZIC2 protein (p.Pro308Leu). This variant is present in population databases (rs201457686, gnomAD 0.01%). This variant has not been reported in the literature in individuals affected with ZIC2-related conditions. Invitae Evidence Modeling of protein sequence and biophysical properties (such as structural, functional, and spatial information, amino acid conservation, physicochemical variation, residue mobility, and thermodynamic stability) indicates that this missense variant is not expected to disrupt ZIC2 protein function with a negative predictive value of 80%. In summary, the available evidence is currently insufficient to determine the role of this variant in disease. Therefore, it has been classified as a Variant of Uncertain Significance.